The following is an entry in ClinVar:

NM_025114.4(CEP290):c.5766A>T (p.Ile1922=)

Gene: CEP290 (centrosomal protein 290; minus strand). Cytogenetic location: 12q21.32.
Variant type: single nucleotide variant.
Coding change: c.5766A>T on transcript NM_025114.4 (MANE Select); coding-DNA position 5766, A replaced by T.
Protein change: p.Ile1922=; no amino-acid change (isoleucine 1922 retained).
Molecular consequence: synonymous variant.
Genome position (GRCh38, 1-based): chr12:88,071,870, T>A on the plus strand (A>T on the coding strand, the complement: CEP290 is on the minus strand). VCF-style: chr12-88071870-T-A. GRCh37 (hg19) VCF-style: chr12-88465647-T-A.
Identifiers: ClinVar variation 702409 (VCV000702409.13), dbSNP rs1027531979, ClinGen allele CA241150720.

ClinVar aggregate classification (germline): Likely benign. Review status: criteria provided, multiple submitters, no conflicts (2 of 4 stars). 3 submissions from 3 submitters: Likely benign (3). Last evaluated 2025-08-15.

Conditions:
Meckel-Gruber syndrome. Also called: GRUBER SYNDROME; Dysencephalia splachnocystica; DYSENCEPHALIA SPLANCHNOCYSTICA. Identifiers: Orphanet 564, MedGen C0265215, MONDO:0018921.
Nephronophthisis. Also called: Juvenile Nephronophthisis. Identifiers: Orphanet 655, MedGen C0687120, MONDO:0019005, HP:0000090.
Joubert syndrome. Also called: Familial aplasia of the vermis; JOUBERT-BOLTSHAUSER SYNDROME. Identifiers: Orphanet 475, MedGen C5979921, MONDO:0018772.
CEP290-related disorder. Also called: CEP290-related disorders; CEP290-related condition. Identifiers: MedGen CN239314.

Allele frequency attached by ClinVar (database versions not stated): gnomAD exomes below 0.00001; TOPMed below 0.00001.
gnomAD v4.1: 8 of 1,604,596 alleles (0.0005%); highest among the groups gnomAD compares: East Asian, 0.0045%; no homozygotes.

Submissions (3):

PreventionGenetics, part of Exact Sciences
Classification: Likely benign for CEP290-related condition. Last evaluated: 2025-08-15. Review status: criteria provided, single submitter. Criteria: ACMG Guidelines, 2015. Collection method: clinical testing. Allele origin: germline.
Comment: This variant is classified as likely benign based on ACMG/AMP sequence variant interpretation guidelines (Richards et al. 2015 PMID: 25741868, with internal and published modifications).

Labcorp Genetics (formerly Invitae), Labcorp
Classification: Likely benign for Joubert syndrome; Meckel-Gruber syndrome; Nephronophthisis. Last evaluated: 2025-01-23. Review status: criteria provided, single submitter. Criteria: Invitae Variant Classification Sherloc (09022015). Collection method: clinical testing. Allele origin: germline.

Blueprint Genetics
Classification: Likely benign. Last evaluated: 2022-11-15. Review status: criteria provided, single submitter. Criteria: ACMG Guidelines, 2015. Collection method: clinical testing. Allele origin: germline.